The following is an entry in ClinVar:

NM_000277.3(PAH):c.168_168+1delinsAA

Gene: PAH (phenylalanine hydroxylase; minus strand). Cytogenetic location: 12q23.2.
Variant type: Indel.
Coding change: c.168_168+1delinsAA on transcript NM_000277.3 (MANE Select); coding-DNA position 168 through the canonical splice donor site of the intron after coding-DNA position 168, GG replaced by AA.
Molecular consequence: splice donor variant.
Genome position (GRCh38, 1-based): chr12:102,912,790-102,912,791, CC replaced by TT on the plus strand (GG replaced by AA on the coding strand, the reverse complement: PAH is on the minus strand). VCF-style: chr12-102912790-CC-TT. GRCh37 (hg19) VCF-style: chr12-103306568-CC-TT.
Other names: c.168_168+1delinsAA (NM_001354304.2); c.168_168+1delGGinsAA (NM_000277.2).
Identifiers: ClinVar variation 188771 (VCV000188771.13), dbSNP rs786204457, ClinGen allele CA273936.

ClinVar aggregate classification (germline): Likely pathogenic. Review status: reviewed by expert panel (3 of 4 stars). 7 submissions from 7 submitters: Likely pathogenic (1). 6 of the submissions do not count toward it. Last evaluated 2019-08-25.

Conditions:
Phenylketonuria (PKU). Also called: FOLLING DISEASE; OLIGOPHRENIA PHENYLPYRUVICA; Phenylketonurias; Phenylketonuria (PKU). Identifiers: Orphanet 716, MedGen C0031485, MONDO:0009861, OMIM 261600. Disease mechanism: loss of function.

Submissions (7):

ClinGen PAH Variant Curation Expert Panel
Classification: Likely pathogenic for Phenylketonuria. Last evaluated: 2019-08-25. Review status: reviewed by expert panel. Criteria: ClinGen PAH ACMG Specifications v1. Collection method: curation. Allele origin: germline. Inheritance: Autosomal recessive inheritance.
Comment: The c.168_168+1delGGinsAA variant has been identified in at least 6 probands with classic PKU (PMIDs: 1301942, 8825928). It has been detected in the homozygous form (PMID: 1301942) as well as in trans with the pathogenic variant R408W (PMID: 8825928). This variant is absent from 1000G, ESP, and gnomAD databases. This variant results in a broken donor splice site, expected to result in the in-frame deletion of exon 2. In summary, this variant meets criteria to be classified as likely pathogenic for PAH. PAH-specific ACMG/AMP criteria applied: PM3_Strong, PVS1_Moderate, PM2, PP4.

3billion
Classification: Pathogenic for Phenylketonuria. Last evaluated: 2025-12-19. Review status: criteria provided, single submitter. Criteria: ACMG Guidelines, 2015. Collection method: clinical testing. Allele origin: germline. Affected: yes. Not counted in ClinVar's aggregate classification.
Comment: The variant is not observed in the gnomAD v4.1.0 dataset. Predicted Consequence/Location: Canonical splice site: predicted to alter splicing and result in a loss or disruption of normal protein function. Multiple pathogenic loss-of-function variants are reported downstream of the variant. In silico tools predict the variant to alter splicing and produce an abnormal transcript [SpliceAI: 1.0 (spliceogenicity >=0.2, non-spliceogenicity <0.1)]. The variant has been reported to be in trans with a pathogenic variant as either compound heterozygous or homozygous in at least 2 similarly affected unrelated individuals (PMID: 1301942, 8825928). The variant has been reported multiple times as an established pathogenic variant (ClinVar ID: VCV000188771 /PMID: 1301942). Therefore, this variant is classified as Pathogenic according to the recommendation of ACMG/AMP guideline.

Natera, Inc.
Classification: Pathogenic for Phenylketonuria. Last evaluated: 2025-12-19. Review status: criteria provided, single submitter. Criteria: Natera Variant Classification Schema (03/2026). Collection method: clinical testing. Allele origin: germline. Not counted in ClinVar's aggregate classification.
Comment: The c.168_168+1delGGinsAA variant in PAH is a canonical splice donor site variant predicted to affect pre-mRNA splicing, which may result in an abnormal transcript and altered protein product. This variant is expected to result in nonsense mediated decay, truncation, or a dysfunctional protein product. This variant is rare in the general population with a frequency below the threshold expected for the associated phenotype(s). This variant has been observed in one or more individuals affected with the associated recessive disease, as either homozygous or compound heterozygous with a second variant (PMID: 8825928, 1301942, 9169088). Additionally, this variant has been observed to segregate in affected family members (PMID: 1301942). Given the available evidence, this variant is classified as Pathogenic.

Labcorp Genetics (formerly Invitae), Labcorp
Classification: Pathogenic for Phenylketonuria. Last evaluated: 2024-05-22. Review status: criteria provided, single submitter. Criteria: Invitae Variant Classification Sherloc (09022015). Collection method: clinical testing. Allele origin: germline. Not counted in ClinVar's aggregate classification.
Comment: This variant results in the deletion of part of exon 2 (c.168_168+1delinsAA) of the PAH gene. It is expected to disrupt RNA splicing. Variants that disrupt the donor or acceptor splice site typically lead to a loss of protein function (PMID: 16199547), and loss-of-function variants in PAH are known to be pathogenic (PMID: 1301187, 9634518). Information on the frequency of this variant in the gnomAD database is not available, as this variant may be reported differently in the database. This variant has been observed in individuals with phenylketonuria (PMID: 1301942, 8825928). This variant is also known as IVS2nt1. ClinVar contains an entry for this variant (Variation ID: 188771). For these reasons, this variant has been classified as Pathogenic.

Revvity Omics, Revvity
Classification: Pathogenic for Phenylketonuria. Last evaluated: 2023-04-19. Review status: criteria provided, single submitter. Criteria: ACMG Guidelines, 2015. Collection method: clinical testing. Allele origin: germline. Not counted in ClinVar's aggregate classification.

Fulgent Genetics
Classification: Pathogenic for Phenylketonuria. Last evaluated: 2022-01-14. Review status: criteria provided, single submitter. Criteria: ACMG Guidelines, 2015. Collection method: clinical testing. Allele origin: unknown. Not counted in ClinVar's aggregate classification.

Counsyl
Classification: Likely pathogenic for Phenylketonuria. Last evaluated: 2014-04-29. Review status: no assertion criteria provided. Collection method: literature only. Allele origin: unknown. Inheritance: Autosomal recessive inheritance. Not counted in ClinVar's aggregate classification.

Literature cited by the submitters: PubMed 8825928 (cited by 5 submitters); PubMed 1301942 (cited by 5 submitters); PubMed 9169088 (cited by Natera, Inc.); PubMed 16199547 (cited by Labcorp Genetics (formerly Invitae), Labcorp); PubMed 1301187 (cited by Labcorp Genetics (formerly Invitae), Labcorp); PubMed 9634518 (cited by Labcorp Genetics (formerly Invitae), Labcorp).